The following is an entry in ClinVar:

NM_016642.4(SPTBN5):c.7617G>A (p.Ala2539=)

Gene: SPTBN5 (spectrin beta, non-erythrocytic 5; minus strand). Cytogenetic location: 15q15.1.
Variant type: single nucleotide variant.
Coding change: c.7617G>A on transcript NM_016642.4 (MANE Select); coding-DNA position 7617, G replaced by A.
Protein change: p.Ala2539=; no amino-acid change (alanine 2539 retained).
Molecular consequence: synonymous variant.
Genome position (GRCh38, 1-based): chr15:41,861,855, C>T on the plus strand (G>A on the coding strand, the complement: SPTBN5 is on the minus strand). VCF-style: chr15-41861855-C-T. GRCh37 (hg19) VCF-style: chr15-42154053-C-T.
Identifiers: ClinVar variation 3041685 (VCV003041685.2), dbSNP rs766802057, ClinGen allele CA7502161.
Genomic context (GRCh38, chr15:41,861,855, plus strand): 5'-GCTCAGCTCCTGTTCTAAGCCAGCCAGCACCTGGCGAATGTCGGAGCTGAAGGGGTGCCC[C>T]GCTGTGAGCAGTTGCTGCCCAGTGCTTCGGGCCAGGCTGATGCTGTCTGTCCAGGAGTCC-3'
Protein context (NP_057726.4, residues 2529-2549): ARSTGQQLLT[Ala2539=]GHPFSSDIRQ

ClinVar aggregate classification (germline): Likely benign (0 of 4 stars; one submission).

Conditions:
SPTBN5-related disorder. Also called: SPTBN5-related condition.

Allele frequency attached by ClinVar (database versions not stated): ExAC 0.00005.
gnomAD v4.1: 86 of 1,607,884 alleles (0.0053%); highest among the groups gnomAD compares: Admixed American, 0.052%; no homozygotes.

Submission:

PreventionGenetics, part of Exact Sciences
Classification: Likely benign for SPTBN5-related condition. Last evaluated: 2019-05-09. Review status: no assertion criteria provided. Collection method: clinical testing. Allele origin: germline.
Comment: This variant is classified as likely benign based on ACMG/AMP sequence variant interpretation guidelines (Richards et al. 2015 PMID: 25741868, with internal and published modifications).